The following is an entry in ClinVar:

NM_000275.3(OCA2):c.2374G>A (p.Val792Met)

Gene: OCA2 (OCA2 melanosomal transmembrane protein; minus strand). Cytogenetic location: 15q13.1.
Variant type: single nucleotide variant.
Coding change: c.2374G>A on transcript NM_000275.3 (MANE Select); coding-DNA position 2374, G replaced by A.
Protein change: p.Val792Met; replaces valine 792 with methionine.
Molecular consequence: missense variant.
Genome position (GRCh38, 1-based): chr15:27,845,017, C>T on the plus strand (G>A on the coding strand, the complement: OCA2 is on the minus strand). VCF-style: chr15-27845017-C-T. GRCh37 (hg19) VCF-style: chr15-28090163-C-T.
Other names: c.2302G>A, p.Val768Met (NM_001300984.2); short protein forms V768M, V792M.
Identifiers: ClinVar variation 4700820 (VCV004700820.2).
Genomic context (GRCh38, chr15:27,845,017, plus strand): 5'-ACCTGAAAAATTCCATGAAGGAGAACCCATATCCATGCTGTTCTGCAATCCCTGCACACA[C>T]GACGTTTGCCGACGCGCCAATCAGTGTCCCGTTACCTAAAGTCAAAATTTAAAAACAAAA-3'
Protein context (NP_000266.2, residues 782-802): GTLIGASANV[Val792Met]CAGIAEQHGY

ClinVar aggregate classification (germline): Uncertain significance. Review status: criteria provided, multiple submitters, no conflicts (2 of 4 stars). 2 submissions from 2 submitters: Uncertain significance (2). Last evaluated 2025-05-04.

gnomAD v4.1: 26 of 1,613,990 alleles (0.0016%); highest among the groups gnomAD compares: East Asian, 0.0022%; no homozygotes.

Submissions (2):

Labcorp Genetics (formerly Invitae), Labcorp
Classification: Uncertain significance. Last evaluated: 2025-05-04. Review status: criteria provided, single submitter. Criteria: Invitae Variant Classification Sherloc (09022015). Collection method: clinical testing. Allele origin: germline.
Comment: This sequence change replaces valine, which is neutral and non-polar, with methionine, which is neutral and non-polar, at codon 792 of the OCA2 protein (p.Val792Met). This variant is present in population databases (rs768651740, gnomAD 0.003%). This variant has not been reported in the literature in individuals affected with OCA2-related conditions. Invitae Evidence Modeling of protein sequence and biophysical properties (such as structural, functional, and spatial information, amino acid conservation, physicochemical variation, residue mobility, and thermodynamic stability) indicates that this missense variant is expected to disrupt OCA2 protein function with a positive predictive value of 80%. In summary, the available evidence is currently insufficient to determine the role of this variant in disease. Therefore, it has been classified as a Variant of Uncertain Significance.

Blueprint Genetics
Classification: Uncertain significance. Last evaluated: 2023-09-14. Review status: criteria provided, single submitter. Criteria: ACMG Guidelines, 2015. Collection method: clinical testing. Allele origin: germline.